The following is an entry in ClinVar:

NM_053025.4(MYLK):c.3285del (p.Thr1096fs)

Gene: MYLK (myosin light chain kinase; minus strand). Cytogenetic location: 3q21.1.
Variant type: Deletion.
Coding change: c.3285del on transcript NM_053025.4 (MANE Select); coding-DNA position 3285, one base deleted (G; older notation c.3285delG).
Protein change: p.Thr1096fs; shifts the reading frame from threonine 1096.
Molecular consequence: frameshift variant.
Genome position (GRCh38, 1-based): chr3:123,700,183, C deleted on the plus strand (G on the coding strand, the reverse complement: MYLK is on the minus strand); the first of 4 consecutive C bases (chr3:123,700,183-123,700,186); deleting any one gives the same sequence. VCF-style (leftmost placement, unchanged base first): chr3-123700182-TC-T. GRCh37 (hg19) VCF-style: chr3-123419029-TC-T.
Other names: c.2757del, p.Thr920fs (NM_001321309.2); c.3078del, p.Thr1027fs (NM_053026.4, NM_053028.4); c.3285del, p.Thr1096fs (NM_053027.4); short protein forms T1027fs, T920fs, T1096fs.
Identifiers: ClinVar variation 1729786 (VCV001729786.2), dbSNP rs2474166840, ClinGen allele CA2580068654.
Genomic context (GRCh38, chr3:123,700,182, plus strand): 5'-GCAGCTTCTTGCCCTCTGCCACATGAACATCTTGCAGCTTCTGCTTGAAGGCTGGGGCTG[TC>T]CCCTGGCTCTCTGATCTCTTTTCATTATCTGTGGTCCCTGCATGGCCTCTCTTGCAGTTC-3'

ClinVar aggregate classification (germline): Uncertain significance (1 of 4 stars; one submission).

Conditions:
Familial thoracic aortic aneurysm and aortic dissection (TAAD). Also called: Thoracic aortic aneurysms and dissections. Identifiers: Orphanet 91387, MedGen C4707243, MONDO:0019625.

Submission:

Ambry Genetics
Classification: Uncertain significance for Familial thoracic aortic aneurysm and aortic dissection. Last evaluated: 2017-04-10. Review status: criteria provided, single submitter. Criteria: Ambry Variant Classification Scheme 2023. Collection method: clinical testing. Allele origin: germline.
Comment: The c.3285delG variant, located in coding exon 15 of the MYLK gene, results from a deletion of one nucleotide at position 3285, causing a translational frameshift with a predicted alternate stop codon (p.T1096Qfs*38). This alteration is expected to result in loss of function by premature protein truncation or nonsense-mediated mRNA decay. Although loss of function alterations in MYLK have been associated with thoracic aortic aneurysms and dissections (TAAD) in two studies (Wang L et al. Am J Hum Genet. 2010;87(5):701-7; Hannuksela M et al. BMC Med Genet. 2016;17(1):61), loss of function of MYLK has not been clearly established as a mechanism of disease. Since supporting evidence is limited at this time, the clinical significance of this alteration remains unclear.

Literature cited by the submitters: PubMed 21055718; PubMed 27586135.